The following is an entry in ClinVar:

NM_000373.4(UMPS):c.*1931G>A

Gene: UMPS (uridine monophosphate synthetase; plus strand). Cytogenetic location: 3q21.2.
Variant type: single nucleotide variant.
Coding change: c.*1931G>A on transcript NM_000373.4 (MANE Select); 1931 bases downstream of the stop codon, G replaced by A.
Molecular consequence: 3 prime UTR variant. On other transcripts: non-coding transcript variant (2).
Genome position (GRCh38, 1-based): chr3:124,746,015, G>A. VCF-style: chr3-124746015-G-A. GRCh37 (hg19) VCF-style: chr3-124464862-G-A.
Identifiers: ClinVar variation 901732 (VCV000901732.4), dbSNP rs143926148, ClinGen allele CA2582012.

ClinVar aggregate classification (germline): Benign (1 of 4 stars; one submission).

Conditions:
Oroticaciduria. Also called: Orotic aciduria. Identifiers: Orphanet 30, MedGen C0268128, HP:0003218.

Allele frequency attached by ClinVar (database versions not stated): ExAC 0.00028; gnomAD 0.00269 and 0.00251; TOPMed 0.00287; gnomAD exomes 0.00031 and 0.00061; 1000 Genomes Project 0.00359; 1000 Genomes Project 30x 0.00390.
gnomAD v4.1: 474 of 454,112 alleles (0.1%); highest among the groups gnomAD compares: African/African-American, 0.8%; 3 homozygotes.

Submission:

Illumina Laboratory Services, Illumina
Classification: Benign for Hereditary orotic aciduria. Last evaluated: 2018-01-13. Review status: criteria provided, single submitter. Criteria: ICSL Variant Classification Criteria 13 December 2019. Collection method: clinical testing. Allele origin: germline.
Comment: This variant was observed in the ICSL laboratory as part of a predisposition screen in an ostensibly healthy population. It had not been previously curated by ICSL or reported in the Human Gene Mutation Database (HGMD: prior to June 1st, 2018), and was therefore a candidate for classification through an automated scoring system. Utilizing variant allele frequency, disease prevalence and penetrance estimates, and inheritance mode, an automated score was calculated to assess if this variant is too frequent to cause the disease. Based on the score and internal cut-off values, a variant classified as benign is not then subjected to further curation. The score for this variant resulted in a classification of benign for this disease.